The following is an entry in ClinVar:

ClinVar aggregate classification (germline): Likely benign (0 of 4 stars; one submission).

Conditions:
KDM2B-related disorder. Also called: KDM2B-related condition.

Allele frequency attached by ClinVar (database versions not stated): ESP Exome Variant Server 0.00017; 1000 Genomes Project 30x 0.00031; 1000 Genomes Project 0.00040.
gnomAD v4.1: 83 of 1,610,832 alleles (0.0052%); highest among the groups gnomAD compares: East Asian, 0.098%; no homozygotes.

Submission:

PreventionGenetics, part of Exact Sciences
Classification: Likely benign for KDM2B-related condition. Last evaluated: 2019-04-11. Review status: no assertion criteria provided. Collection method: clinical testing. Allele origin: germline.
Comment: This variant is classified as likely benign based on ACMG/AMP sequence variant interpretation guidelines (Richards et al. 2015 PMID: 25741868, with internal and published modifications).

NM_032590.5(KDM2B):c.*175C>T

Gene: KDM2B (lysine demethylase 2B; minus strand). Cytogenetic location: 12q24.31.
Variant type: single nucleotide variant.
Coding change: c.*175C>T on transcript NM_032590.5 (MANE Select); 175 bases downstream of the stop codon, C replaced by T.
Molecular consequence: 3 prime UTR variant.
Genome position (GRCh38, 1-based): chr12:121,430,113, G>A on the plus strand (C>T on the coding strand, the complement: KDM2B is on the minus strand). VCF-style: chr12-121430113-G-A. GRCh37 (hg19) VCF-style: chr12-121867916-G-A.
Other names: c.*3C>T (NM_001005366.2).
Identifiers: ClinVar variation 3058765 (VCV003058765.2), dbSNP rs376930255, ClinGen allele CA6836036.